The following is an entry in ClinVar:

ClinVar aggregate classification (germline): Uncertain significance. Review status: criteria provided, multiple submitters, no conflicts (2 of 4 stars). 4 submissions from 4 submitters: Uncertain significance (4). Last evaluated 2025-06-23.

Conditions:
Aortic aneurysm, familial thoracic 4 (AAT4). Also called: AORTIC ANEURYSM/AORTIC DISSECTION AND PATENT DUCTUS ARTERIOSUS. Identifiers: MedGen C1851504, MONDO:0007568, OMIM 132900.
Familial thoracic aortic aneurysm and aortic dissection (TAAD). Also called: Thoracic aortic aneurysms and dissections. Identifiers: Orphanet 91387, MedGen C4707243, MONDO:0019625.

Submissions (4):

Labcorp Genetics (formerly Invitae), Labcorp
Classification: Uncertain significance for Aortic aneurysm, familial thoracic 4. Last evaluated: 2025-06-23. Review status: criteria provided, single submitter. Criteria: Invitae Variant Classification Sherloc (09022015). Collection method: clinical testing. Allele origin: germline.
Comment: This variant, c.5255_5266del, results in the deletion of 4 amino acid(s) of the MYH11 protein (p.Leu1752_Glu1755del), but otherwise preserves the integrity of the reading frame. This variant is not present in population databases (gnomAD no frequency). This variant has been observed in individual(s) with thoracic aortic aneurysm (internal data). ClinVar contains an entry for this variant (Variation ID: 924087). Experimental studies and prediction algorithms are not available or were not evaluated, and the functional significance of this variant is currently unknown. In summary, the available evidence is currently insufficient to determine the role of this variant in disease. Therefore, it has been classified as a Variant of Uncertain Significance.

Color Diagnostics, LLC DBA Color Health
Classification: Uncertain significance for Familial thoracic aortic aneurysm and aortic dissection. Last evaluated: 2025-06-11. Review status: criteria provided, single submitter. Criteria: ACMG Guidelines, 2015. Collection method: clinical testing. Allele origin: germline.
Comment: This variant causes an in-frame deletion of four amino acids (p.Leu1752_Glu1755del) at exon 38 of the MYH11 protein. To our knowledge, functional studies have not been reported for this variant. This variant has not been reported in individuals affected with MYH11-related disorders in the literature. This variant has not been identified in the general population by the Genome Aggregation Database (gnomAD). The available evidence is insufficient to determine the role of this variant in disease conclusively. Therefore, this variant is classified as a Variant of Uncertain Significance.

Revvity Omics, Revvity
Classification: Uncertain significance. Last evaluated: 2021-11-01. Review status: criteria provided, single submitter. Criteria: ACMG Guidelines, 2015. Collection method: clinical testing. Allele origin: germline.

CHEO Genetics Diagnostic Laboratory, Children's Hospital of Eastern Ontario
Classification: Uncertain significance for Familial thoracic aortic aneurysm and aortic dissection. Last evaluated: 2020-01-28. Review status: criteria provided, single submitter. Criteria: ACMG Guidelines, 2015. Collection method: clinical testing. Allele origin: germline.

NM_002474.3(MYH11):c.5222TGGAGGAGGAGC[1] (p.1741LEEE[1])

Genes: MYH11 (myosin heavy chain 11; minus strand), NDE1 (nudE neurodevelopment protein 1; plus strand). Cytogenetic location: 16p13.11.
Variant type: Microsatellite.
Coding change: c.5222TGGAGGAGGAGC[1] on transcript NM_002474.3 (MANE Select); one copy of the 12-base unit TGGAGGAGGAGC starting at c.5222; the reference has two copies in a row; one copy, 12 bases deleted; also written c.5234_5245del.
Protein change: p.1741LEEE[1].
Molecular consequence: inframe deletion. On other transcripts: intron variant (2).
Genome position (GRCh38, 1-based): chr16:15,718,365-15,718,376, GCTCCTCCTCCA deleted on the plus strand (TGGAGGAGGAGC on the coding strand, the reverse complement: MYH11 is on the minus strand); deleting any 12 consecutive bases within chr16:15,718,365-15,718,391 gives the same sequence; the position shown is the placement nearest the transcript's 3' end. VCF-style (leftmost placement, unchanged base first): chr16-15718364-TGCTCCTCCTCCA-T. GRCh37 (hg19) VCF-style: chr16-15812221-TGCTCCTCCTCCA-T.
Other names: c.5234_5245del (NM_002474.3); c.5255_5266del (NM_001040113.2); c.5243TGGAGGAGGAGC[1], p.1748LEEE[1] (NM_001040113.2, NM_001040114.2); c.5222TGGAGGAGGAGC[1], p.1741LEEE[1] (NM_022844.3); c.948-5811_948-5800del (NM_001143979.2, NM_017668.3).
Identifiers: ClinVar variation 924087 (VCV000924087.14), dbSNP rs777249764, ClinGen allele CA1139664567.